The following is an entry in ClinVar:

ClinVar aggregate classification (germline): Benign. Review status: criteria provided, multiple submitters, no conflicts (2 of 4 stars). 8 submissions from 8 submitters: Benign (7). 1 of the submissions does not count toward it. Last evaluated 2026-02-03.

Conditions:
POT1-related disorder. Also called: POT1-related condition.
Tumor predisposition syndrome 3 (TPDS3). Also called: Melanoma, cutaneous malignant, susceptibility to, 10; Glioma susceptibility 9; LONG TELOMERE SYNDROME, POT1-RELATED; POT1 Tumor Predisposition. Identifiers: Orphanet 618, MedGen C4014476, MONDO:0014368, OMIM 615848.
Hereditary cancer-predisposing syndrome. Also called: Neoplastic Syndromes, Hereditary; Hereditary neoplastic syndrome; Hereditary Cancer Syndrome; Tumor predisposition. Identifiers: Orphanet 140162, MedGen C0027672, MeSH D009386, MONDO:0015356.

Allele frequency attached by ClinVar (database versions not stated): gnomAD exomes 0.00075 and 0.00186; ExAC 0.00234; gnomAD 0.00648 and 0.00699; ESP Exome Variant Server 0.00707; TOPMed 0.00739; 1000 Genomes Project 0.00799; 1000 Genomes Project 30x 0.00812.
gnomAD v4.1: 2,104 of 1,580,712 alleles (0.13%); highest among the groups gnomAD compares: African/African-American, 2.2%; 20 homozygotes.

Submissions (15):

Labcorp Genetics (formerly Invitae), Labcorp
Classification: Benign for Tumor predisposition syndrome 3. Last evaluated: 2026-02-03. Review status: criteria provided, single submitter. Criteria: Invitae Variant Classification Sherloc (09022015). Collection method: clinical testing. Allele origin: germline.

Quest Diagnostics Nichols Institute San Juan Capistrano
Classification: Benign. Last evaluated: 2025-08-27. Review status: criteria provided, single submitter. Criteria: Quest Diagnostics criteria. Collection method: clinical testing. Allele origin: unknown.

Center for Genomic Medicine, Rigshospitalet, Copenhagen University Hospital
Classification: Benign. Last evaluated: 2025-03-04. Review status: criteria provided, single submitter. Criteria: ACMG Guidelines, 2015. Collection method: clinical testing. Allele origin: germline.

Mayo Clinic Laboratories, Mayo Clinic
Classification: Benign. Last evaluated: 2025-01-20. Review status: criteria provided, single submitter. Criteria: ACMG Guidelines, 2015. Collection method: clinical testing. Allele origin: germline. Observed: 1 variant allele.
Comment: BS1, BS2

GeneDx
Classification: Benign. Last evaluated: 2019-02-19. Review status: criteria provided, single submitter. Criteria: GeneDx Variant Classification Process June 2021. Collection method: clinical testing. Allele origin: germline. Affected: yes.

Genetic Services Laboratory, University of Chicago
Classification: Benign. Last evaluated: 2018-08-14. Review status: criteria provided, single submitter. Criteria: ACMG Guidelines, 2015. Collection method: clinical testing. Allele origin: germline. Affected: no.

Ambry Genetics
Classification: Benign for Hereditary cancer-predisposing syndrome. Last evaluated: 2017-02-22. Review status: criteria provided, single submitter. Criteria: Ambry Variant Classification Scheme 2023. Collection method: clinical testing. Allele origin: germline.

PreventionGenetics, part of Exact Sciences
Classification: Benign for POT1-related condition. Last evaluated: 2019-03-21. Review status: no assertion criteria provided. Collection method: clinical testing. Allele origin: germline. Not counted in ClinVar's aggregate classification.
Comment: This variant is classified as benign based on ACMG/AMP sequence variant interpretation guidelines (Richards et al. 2015 PMID: 25741868, with internal and published modifications).

Dr. Peter K. Rogan Lab, Western University
No classification provided (evidence only). Condition: Acute myeloid leukemia. Review status: no classification provided. Collection method: in vitro. Allele origin: not applicable. Functional consequence: retained intron. Not counted in ClinVar's aggregate classification.

Dr. Peter K. Rogan Lab, Western University
No classification provided (evidence only). Condition: Acute myeloid leukemia. Review status: no classification provided. Collection method: in vitro. Allele origin: not applicable. Functional consequence: retained intron. Not counted in ClinVar's aggregate classification.

Dr. Peter K. Rogan Lab, Western University
No classification provided (evidence only). Condition: Uterine corpus endometrial carcinoma. Review status: no classification provided. Collection method: in vitro. Allele origin: not applicable. Functional consequence: retained intron. Not counted in ClinVar's aggregate classification.

Dr. Peter K. Rogan Lab, Western University
No classification provided (evidence only). Condition: Cervical cancer. Review status: no classification provided. Collection method: in vitro. Allele origin: not applicable. Functional consequence: retained intron. Not counted in ClinVar's aggregate classification.

Dr. Peter K. Rogan Lab, Western University
No classification provided (evidence only). Condition: Thymoma. Review status: no classification provided. Collection method: in vitro. Allele origin: not applicable. Functional consequence: retained intron. Not counted in ClinVar's aggregate classification.

Dr. Peter K. Rogan Lab, Western University
No classification provided (evidence only). Condition: Ovarian serous cystadenocarcinoma. Review status: no classification provided. Collection method: in vitro. Allele origin: not applicable. Functional consequence: retained intron. Not counted in ClinVar's aggregate classification.

Dr. Peter K. Rogan Lab, Western University
No classification provided (evidence only). Condition: Uterine carcinosarcoma. Review status: no classification provided. Collection method: in vitro. Allele origin: not applicable. Functional consequence: retained intron. Not counted in ClinVar's aggregate classification.

NM_015450.3(POT1):c.1687-5T>A

Gene: POT1 (protection of telomeres 1; minus strand). Cytogenetic location: 7q31.33.
Variant type: single nucleotide variant.
Coding change: c.1687-5T>A on transcript NM_015450.3 (MANE Select); 5 bases into the intron before coding-DNA position 1687, T replaced by A.
Molecular consequence: intron variant.
Genome position (GRCh38, 1-based): chr7:124,825,362, A>T on the plus strand (T>A on the coding strand, the complement: POT1 is on the minus strand). VCF-style: chr7-124825362-A-T. GRCh37 (hg19) VCF-style: chr7-124465416-A-T.
Other names: p.?; c.1294-5T>A (NM_001042594.2).
Identifiers: ClinVar variation 475057 (VCV000475057.33), dbSNP rs35062732, ClinGen allele CA4465000.